The following is an entry in ClinVar:

NM_001352754.2(ARMC9):c.815G>T (p.Arg272Leu)

Gene: ARMC9 (armadillo repeat containing 9; plus strand). Cytogenetic location: 2q37.1.
Variant type: single nucleotide variant.
Coding change: c.815G>T on transcript NM_001352754.2 (MANE Select); coding-DNA position 815, G replaced by T.
Protein change: p.Arg272Leu; replaces arginine 272 with leucine.
Molecular consequence: missense variant. On other transcripts: non-coding transcript variant (1), intron variant (2).
Genome position (GRCh38, 1-based): chr2:231,239,977, G>T. VCF-style: chr2-231239977-G-T. GRCh37 (hg19) VCF-style: chr2-232104690-G-T.
Other names: c.815G>T, p.Arg272Leu (NM_001271466.4, NM_001291656.2, NM_001352755.2 and 3 more transcripts); c.780+4596G>T (NM_001352757.2, NM_001352758.2); short protein forms R272L.
Identifiers: ClinVar variation 2095608 (VCV002095608.4), dbSNP rs760933165, ClinGen allele CA350952443.

ClinVar aggregate classification (germline): Uncertain significance (1 of 4 stars; one submission).

Submission:

Labcorp Genetics (formerly Invitae), Labcorp
Classification: Uncertain significance. Last evaluated: 2022-02-20. Review status: criteria provided, single submitter. Criteria: Invitae Variant Classification Sherloc (09022015). Collection method: clinical testing. Allele origin: germline.
Comment: This sequence change replaces arginine, which is basic and polar, with leucine, which is neutral and non-polar, at codon 272 of the ARMC9 protein (p.Arg272Leu). This variant is not present in population databases (gnomAD no frequency). This variant has not been reported in the literature in individuals affected with ARMC9-related conditions. Experimental studies and prediction algorithms are not available or were not evaluated, and the functional significance of this variant is currently unknown. In summary, the available evidence is currently insufficient to determine the role of this variant in disease. Therefore, it has been classified as a Variant of Uncertain Significance.